The following is an entry in ClinVar:

ClinVar aggregate classification (germline): Likely pathogenic (1 of 4 stars; one submission).

Conditions:
Hereditary cancer-predisposing syndrome. Also called: Neoplastic Syndromes, Hereditary; Tumor predisposition; Hereditary neoplastic syndrome; Hereditary Cancer Syndrome. Identifiers: Orphanet 140162, MedGen C0027672, MeSH D009386, MONDO:0015356.

Submission:

Ambry Genetics
Classification: Likely pathogenic for Hereditary cancer-predisposing syndrome. Last evaluated: 2024-04-15. Review status: criteria provided, single submitter. Criteria: Ambry Variant Classification Scheme 2023. Collection method: clinical testing. Allele origin: germline.
Comment: The p.Q1638* variant (also known as c.4912C>T), located in coding exon 34 of the SMARCA4 gene, results from a C to T substitution at nucleotide position 4912. This changes the amino acid from a glutamine to a stop codon within coding exon 34. This alteration is expected to result in loss of function by premature protein truncation or nonsense-mediated mRNA decay. This variant is considered to be rare based on population cohorts in the Genome Aggregation Database (gnomAD). Loss-of-function variants in SMARCA4 are known to cause rhabdoid tumor predisposition syndrome including small cell carcinoma of the ovary-hypercalcemic type (SCCOHT); however, such associations with neurodevelopmental disorders are exceedingly rare (Kosho T et al. Am J Med Genet C Semin Med Genet. 2014 Sep;166C(3):262-75; Jelinic P et al. Nat Genet. 2014 May;46(5):424-6). Based on the supporting evidence, this alteration is likely pathogenic for rhabdoid tumor predisposition syndrome; however, the association of this alteration with Coffin-Siris syndrome is unlikely.

NM_003072.5(SMARCA4):c.4816C>T (p.Gln1606Ter)

Gene: SMARCA4 (SWI/SNF related BAF chromatin remodeling complex subunit ATPase 4; plus strand). Cytogenetic location: 19p13.2.
Variant type: single nucleotide variant.
Coding change: c.4816C>T on transcript NM_003072.5 (MANE Select); coding-DNA position 4816, C replaced by T.
Protein change: p.Gln1606Ter; replaces glutamine 1606 with a stop codon.
Molecular consequence: nonsense. On other transcripts: non-coding transcript variant (1).
Genome position (GRCh38, 1-based): chr19:11,060,092, C>T. VCF-style: chr19-11060092-C-T. GRCh37 (hg19) VCF-style: chr19-11170768-C-T.
Other names: c.4816C>T, p.Gln1606Ter (NM_001128844.3); c.4726C>T, p.Gln1576Ter (NM_001128845.2); c.4723C>T, p.Gln1575Ter (NM_001128846.2); c.4717C>T, p.Gln1573Ter (NM_001128847.4, NM_001374457.1); c.4714C>T, p.Gln1572Ter (NM_001128848.2); c.4912C>T, p.Gln1638Ter (NM_001128849.3, NM_001387283.1); c.4813C>T, p.Gln1605Ter (NM_001411150.1); short protein forms Q1573*, Q1638*, Q1575*, Q1606*, Q1572*, Q1576*, Q1605*.
Identifiers: ClinVar variation 3320704 (VCV003320704.1).
Genomic context (GRCh38, chr19:11,060,092, plus strand): 5'-CGGTCCCCTCCAGCTCGGTCCGTCAAAGTGAAGATCAAGCTTGGCCGGAAGGAGAAGGCA[C>T]AGGACCGGCTGAAGGGCGGCCGGCGGCGGCCGAGCCGAGGGTCCCGAGCCAAGCCGGTCG-3'